The following is an entry in ClinVar:

NM_198129.4(LAMA3):c.6469G>T (p.Glu2157Ter)

Gene: LAMA3 (laminin subunit alpha 3; plus strand). Cytogenetic location: 18q11.2.
Variant type: single nucleotide variant.
Coding change: c.6469G>T on transcript NM_198129.4 (MANE Select); coding-DNA position 6469, G replaced by T.
Protein change: p.Glu2157Ter; replaces glutamic acid 2157 with a stop codon.
Molecular consequence: nonsense.
Genome position (GRCh38, 1-based): chr18:23,904,083, G>T. VCF-style: chr18-23904083-G-T. GRCh37 (hg19) VCF-style: chr18-21484047-G-T.
Other names: c.1642G>T, p.Glu548Ter (NM_000227.6); c.6301G>T, p.Glu2101Ter (NM_001127717.4); c.1474G>T, p.Glu492Ter (NM_001127718.4); short protein forms E2101*, E2157*, E492*, E548*.
Identifiers: ClinVar variation 1068548 (VCV001068548.7), dbSNP rs766870171, ClinGen allele CA402050270.

ClinVar aggregate classification (germline): Pathogenic (1 of 4 stars; one submission).

Allele frequency attached by ClinVar (database versions not stated): gnomAD exomes below 0.00001.
gnomAD v4.1: 1 of 1,613,538 alleles (0.000062%); highest among the groups gnomAD compares: South Asian, 0.0011%; no homozygotes.

Submission:

Labcorp Genetics (formerly Invitae), Labcorp
Classification: Pathogenic. Last evaluated: 2020-06-04. Review status: criteria provided, single submitter. Criteria: Invitae Variant Classification Sherloc (09022015). Collection method: clinical testing. Allele origin: germline.
Comment: This sequence change creates a premature translational stop signal (p.Glu548*) in the LAMA3 gene. It is expected to result in an absent or disrupted protein product. This variant is not present in population databases (ExAC no frequency). This variant has not been reported in the literature in individuals with LAMA3-related conditions. Algorithms developed to predict the effect of sequence changes on RNA splicing suggest that this variant may create or strengthen a splice site, but this prediction has not been confirmed by published transcriptional studies. Loss-of-function variants in LAMA3 are known to be pathogenic (PMID: 10366601, 11810295, 12915477, 16473856, 17362460, 23869449, 28087116). For these reasons, this variant has been classified as Pathogenic.

Literature cited by the submitters: PubMed 10366601; PubMed 11810295; PubMed 12915477; PubMed 16473856; PubMed 17362460; PubMed 23869449; PubMed 28087116.